The following is an entry in ClinVar:

ClinVar aggregate classification (germline): Uncertain significance (1 of 4 stars; one submission).

Conditions:
Hereditary cancer-predisposing syndrome. Also called: Neoplastic Syndromes, Hereditary; Tumor predisposition; Hereditary Cancer Syndrome; Hereditary neoplastic syndrome. Identifiers: Orphanet 140162, MedGen C0027672, MeSH D009386, MONDO:0015356.

gnomAD v4.1: 1 of 1,614,182 alleles (0.000062%); highest among the groups gnomAD compares: Non-Finnish European, 0.000085%; no homozygotes.

Submission:

Ambry Genetics
Classification: Uncertain significance for Hereditary cancer-predisposing syndrome. Last evaluated: 2023-09-14. Review status: criteria provided, single submitter. Criteria: Ambry Variant Classification Scheme 2023. Collection method: clinical testing. Allele origin: germline.
Comment: The p.T214P variant (also known as c.640A>C), located in coding exon 4 of the PALB2 gene, results from an A to C substitution at nucleotide position 640. The threonine at codon 214 is replaced by proline, an amino acid with highly similar properties. This variant was not reported in population based cohorts in the following databases: Database of Single Nucleotide Polymorphisms (dbSNP), NHLBI Exome Sequencing Project (ESP), and 1000 Genomes Project. In the ESP, this variant was not observed in 6497 samples (12994 alleles) with coverage at this position. To date, this alteration has been detected with an allele frequency of approximately 0.001% (greater than 130000 alleles tested) in our clinical cohort. This amino acid position is not well conserved in available vertebrate species. In addition, this alteration is predicted to be tolerated by in silico analysis. Since supporting evidence is limited at this time, the clinical significance of this alteration remains unclear.

NM_024675.4(PALB2):c.640A>C (p.Thr214Pro)

Gene: PALB2 (partner and localizer of BRCA2; minus strand). Cytogenetic location: 16p12.2.
Variant type: single nucleotide variant.
Coding change: c.640A>C on transcript NM_024675.4 (MANE Select); coding-DNA position 640, A replaced by C.
Protein change: p.Thr214Pro; replaces threonine 214 with proline.
Molecular consequence: missense variant.
Genome position (GRCh38, 1-based): chr16:23,635,906, T>G on the plus strand (A>C on the coding strand, the complement: PALB2 is on the minus strand). VCF-style: chr16-23635906-T-G. GRCh37 (hg19) VCF-style: chr16-23647227-T-G.
Other names: short protein forms T214P.
Identifiers: ClinVar variation 484181 (VCV000484181.6), dbSNP rs1555461694, ClinGen allele CA395136553.